The following is an entry in ClinVar:

ClinVar aggregate classification (germline): Uncertain significance (1 of 4 stars; one submission).

Allele frequency attached by ClinVar (database versions not stated): gnomAD 0.00004; TOPMed 0.00004.
gnomAD v4.1: 45 of 1,608,734 alleles (0.0028%); highest among the groups gnomAD compares: Admixed American, 0.0068%; no homozygotes.

Submission:

Labcorp Genetics (formerly Invitae), Labcorp
Classification: Uncertain significance. Last evaluated: 2024-04-17. Review status: criteria provided, single submitter. Criteria: Invitae Variant Classification Sherloc (09022015). Collection method: clinical testing. Allele origin: germline.
Comment: This sequence change affects codon 410 of the CIT mRNA. It is a 'silent' change, meaning that it does not change the encoded amino acid sequence of the CIT protein. This variant is present in population databases (no rsID available, gnomAD 0.006%). This variant has not been reported in the literature in individuals affected with CIT-related conditions. Algorithms developed to predict the effect of sequence changes on RNA splicing suggest that this variant may disrupt the consensus splice site. In summary, the available evidence is currently insufficient to determine the role of this variant in disease. Therefore, it has been classified as a Variant of Uncertain Significance.

NM_001206999.2(CIT):c.1230G>A (p.Ser410=)

Gene: CIT (citron rho-interacting serine/threonine kinase; minus strand). Cytogenetic location: 12q24.23.
Variant type: single nucleotide variant.
Coding change: c.1230G>A on transcript NM_001206999.2 (MANE Select); coding-DNA position 1230, G replaced by A.
Protein change: p.Ser410=; no amino-acid change (serine 410 retained).
Molecular consequence: synonymous variant.
Genome position (GRCh38, 1-based): chr12:119,803,271, C>T on the plus strand (G>A on the coding strand, the complement: CIT is on the minus strand). VCF-style: chr12-119803271-C-T. GRCh37 (hg19) VCF-style: chr12-120241075-C-T.
Other names: c.1230G>A, p.Ser410= (NM_007174.3).
Identifiers: ClinVar variation 2973788 (VCV002973788.3), dbSNP rs765647045, ClinGen allele CA244370496.